The following is an entry in ClinVar:

NM_002693.3(POLG):c.1389G>A (p.Leu463=)

Gene: POLG (DNA polymerase gamma, catalytic subunit; minus strand). Cytogenetic location: 15q26.1.
Variant type: single nucleotide variant.
Coding change: c.1389G>A on transcript NM_002693.3 (MANE Select); coding-DNA position 1389, G replaced by A.
Protein change: p.Leu463=; no amino-acid change (leucine 463 retained).
Molecular consequence: synonymous variant.
Genome position (GRCh38, 1-based): chr15:89,327,211, C>T on the plus strand (G>A on the coding strand, the complement: POLG is on the minus strand). VCF-style: chr15-89327211-C-T. GRCh37 (hg19) VCF-style: chr15-89870442-C-T.
Other names: c.1389G>A, p.Leu463= (NM_001126131.2).
Identifiers: ClinVar variation 385846 (VCV000385846.41), dbSNP rs150828914, ClinGen allele CA7724866.

ClinVar aggregate classification (germline): Conflicting classifications of pathogenicity. Review status: criteria provided, conflicting classifications (1 of 4 stars). 5 submissions from 5 submitters: Uncertain significance (1); Likely benign (4). Last evaluated 2026-01-04.

Conditions:
Progressive sclerosing poliodystrophy (MTDPS4A). Also called: Mitochondrial DNA depletion syndrome 4A (Alpers type); Alpers-Huttenlocher Syndrome (AHS); Alpers Syndrome; ALPERS DIFFUSE DEGENERATION OF CEREBRAL GRAY MATTER WITH HEPATIC CIRRHOSIS; Alpers-Huttenlocher Syndrome; Mitochondrial DNA Depletion Syndrome 4A. Identifiers: Orphanet 726, MedGen C0205710, MONDO:0008758, OMIM 203700.
Inborn genetic diseases. Identifiers: MedGen C0950123, MeSH D030342.

Allele frequency attached by ClinVar (database versions not stated): gnomAD 0.00011 and 0.00012; TOPMed 0.00013; ESP Exome Variant Server 0.00015; 1000 Genomes Project 30x 0.00016; 1000 Genomes Project 0.00020.
gnomAD v4.1: 24 of 1,614,240 alleles (0.0015%); highest among the groups gnomAD compares: African/African-American, 0.031%; no homozygotes.

Submissions (5):

Labcorp Genetics (formerly Invitae), Labcorp
Classification: Likely benign for Progressive sclerosing poliodystrophy. Last evaluated: 2026-01-04. Review status: criteria provided, single submitter. Criteria: Invitae Variant Classification Sherloc (09022015). Collection method: clinical testing. Allele origin: germline.

CeGaT Center for Human Genetics Tuebingen
Classification: Likely benign. Last evaluated: 2024-06-01. Review status: criteria provided, single submitter. Criteria: CeGaT Center For Human Genetics Tuebingen Variant Classification Criteria Version 2. Collection method: clinical testing. Allele origin: germline. Affected: yes. Observed: 1 variant allele.
Comment: POLG: BP4, BP7

GeneDx
Classification: Likely benign. Last evaluated: 2020-09-29. Review status: criteria provided, single submitter. Criteria: GeneDx Variant Classification Process June 2021. Collection method: clinical testing. Allele origin: germline. Affected: yes.

Eurofins Ntd Llc (ga)
Classification: Uncertain significance. Last evaluated: 2016-12-19. Review status: criteria provided, single submitter. Criteria: EGL Classification Definitions 2015. Collection method: clinical testing. Allele origin: germline. Observed: 1 variant allele, 1 heterozygote.

Ambry Genetics
Classification: Likely benign for Inborn genetic diseases. Last evaluated: 2016-07-01. Review status: criteria provided, single submitter. Criteria: Ambry Variant Classification Scheme 2023. Collection method: clinical testing. Allele origin: germline.